The following is an entry in ClinVar:

ClinVar aggregate classification (germline): Benign/Likely benign. Review status: criteria provided, multiple submitters, no conflicts (2 of 4 stars). 4 submissions from 4 submitters: Benign (1); Likely benign (3). Last evaluated 2026-07-15.

Conditions:
Hereditary cancer-predisposing syndrome. Also called: Hereditary neoplastic syndrome; Neoplastic Syndromes, Hereditary; Tumor predisposition; Hereditary Cancer Syndrome. Identifiers: Orphanet 140162, MedGen C0027672, MeSH D009386, MONDO:0015356.
Rhabdoid tumor predisposition syndrome 2 (RTPS2). Identifiers: Orphanet 231108, Orphanet 69077, MedGen C2750074, MONDO:0013224, OMIM 613325.

Submissions (4):

Myriad Genetics, Inc.
Classification: Benign for Rhabdoid tumor predisposition syndrome 2. Last evaluated: 2026-07-15. Review status: criteria provided, single submitter. Criteria: Myriad Autosomal Dominant, Autosomal Recessive and X-Linked Classification Criteria (2023). Collection method: clinical testing. Allele origin: unknown.
Comment: This variant is considered benign. This variant is a silent/synonymous amino acid change and it is not expected to impact splicing.

Labcorp Genetics (formerly Invitae), Labcorp
Classification: Likely benign for Rhabdoid tumor predisposition syndrome 2. Last evaluated: 2025-05-06. Review status: criteria provided, single submitter. Criteria: Invitae Variant Classification Sherloc (09022015). Collection method: clinical testing. Allele origin: germline.

Sema4
Classification: Likely benign for Hereditary cancer-predisposing syndrome. Last evaluated: 2021-06-27. Review status: criteria provided, single submitter. Criteria: Sema4 Curation Guidelines. Collection method: curation. Allele origin: germline.

Ambry Genetics
Classification: Likely benign for Hereditary cancer-predisposing syndrome. Last evaluated: 2018-12-21. Review status: criteria provided, single submitter. Criteria: Ambry Variant Classification Scheme 2023. Collection method: clinical testing. Allele origin: germline.

NM_003072.5(SMARCA4):c.3942T>C (p.Asp1314=)

Gene: SMARCA4 (SWI/SNF related BAF chromatin remodeling complex subunit ATPase 4; plus strand). Cytogenetic location: 19p13.2.
Variant type: single nucleotide variant.
Coding change: c.3942T>C on transcript NM_003072.5 (MANE Select); coding-DNA position 3942, T replaced by C.
Protein change: p.Asp1314=; no amino-acid change (aspartic acid 1314 retained).
Molecular consequence: synonymous variant. On other transcripts: non-coding transcript variant (1).
Genome position (GRCh38, 1-based): chr19:11,034,191, T>C. VCF-style: chr19-11034191-T-C. GRCh37 (hg19) VCF-style: chr19-11144867-T-C.
Other names: c.3942T>C, p.Asp1314= (NM_001128844.3, NM_001128849.3); c.3843T>C, p.Asp1281= (NM_001128845.2, NM_001128846.2, NM_001128847.4 and 2 more transcripts).
Identifiers: ClinVar variation 824404 (VCV000824404.9), dbSNP rs1600397879, ClinGen allele CA505493207.